The following is an entry in ClinVar:

ClinVar aggregate classification (germline): Uncertain significance. Review status: criteria provided, multiple submitters, no conflicts (2 of 4 stars). 2 submissions from 2 submitters: Uncertain significance (2). Last evaluated 2025-04-23.

Conditions:
Hereditary cancer-predisposing syndrome. Also called: Tumor predisposition; Hereditary Cancer Syndrome; Hereditary neoplastic syndrome; Neoplastic Syndromes, Hereditary. Identifiers: Orphanet 140162, MedGen C0027672, MeSH D009386, MONDO:0015356.

Submissions (2):

Labcorp Genetics (formerly Invitae), Labcorp
Classification: Uncertain significance for Hereditary cancer-predisposing syndrome. Last evaluated: 2025-04-23. Review status: criteria provided, single submitter. Criteria: Invitae Variant Classification Sherloc (09022015). Collection method: clinical testing. Allele origin: germline.
Comment: This variant, c.2308_2310del, results in the deletion of 1 amino acid(s) of the RAD50 protein (p.Glu770del), but otherwise preserves the integrity of the reading frame. This variant is not present in population databases (gnomAD no frequency). This variant has not been reported in the literature in individuals affected with RAD50-related conditions. Experimental studies and prediction algorithms are not available or were not evaluated, and the functional significance of this variant is currently unknown. In summary, the available evidence is currently insufficient to determine the role of this variant in disease. Therefore, it has been classified as a Variant of Uncertain Significance.

Ambry Genetics
Classification: Uncertain significance for Hereditary cancer-predisposing syndrome. Last evaluated: 2019-02-19. Review status: criteria provided, single submitter. Criteria: Ambry Variant Classification Scheme 2023. Collection method: clinical testing. Allele origin: germline.
Comment: The c.2308_2310delGAA variant (also known as p.E770del) is located in coding exon 14 of the RAD50 gene. This variant results from an in-frame deletion of 3 nucleotides at positions 2308 to 2310. This results in the deletion of a highly conserved glutamic acid at amino acid position 770. Since supporting evidence is limited at this time, the clinical significance of this alteration remains unclear.

NM_005732.4(RAD50):c.2305GAA[1] (p.Glu770del)

Gene: RAD50 (RAD50 double strand break repair protein; plus strand). Cytogenetic location: 5q31.1.
Variant type: Microsatellite.
Coding change: c.2305GAA[1] on transcript NM_005732.4 (MANE Select); one copy of the 3-base unit GAA starting at c.2305; the reference has two copies in a row; one copy, 3 bases deleted.
Protein change: p.Glu770del; deletes glutamic acid 770.
Molecular consequence: inframe deletion.
Genome position (GRCh38, 1-based): chr5:132,603,400-132,603,402, GAA deleted; deleting any 3 consecutive bases within chr5:132,603,396-132,603,402 gives the same sequence; the position shown is the placement nearest the transcript's 3' end. VCF-style (leftmost placement, unchanged base first): chr5-132603395-TAGA-T. GRCh37 (hg19) VCF-style: chr5-131939087-TAGA-T.
Other names: short protein forms E770del.
Identifiers: ClinVar variation 486236 (VCV000486236.12), dbSNP rs1456091961, ClinGen allele CA658657517.